The following is an entry in ClinVar:

ClinVar aggregate classification (germline): Pathogenic. Review status: criteria provided, multiple submitters, no conflicts (2 of 4 stars). 2 submissions from 2 submitters: Pathogenic (2). Last evaluated 2025-09-10.

Conditions:
Joubert syndrome. Also called: CEREBELLOPARENCHYMAL DISORDER IV; JOUBERT-BOLTSHAUSER SYNDROME; Familial aplasia of the vermis. Identifiers: Orphanet 475, MedGen C5979921, MONDO:0018772.
Meckel-Gruber syndrome. Also called: DYSENCEPHALIA SPLANCHNOCYSTICA; GRUBER SYNDROME; Dysencephalia splachnocystica. Identifiers: Orphanet 564, MedGen C0265215, MONDO:0018921.
COACH syndrome 1. Identifiers: Orphanet 1454, MedGen C5435651, MONDO:0800103, OMIM 216360, MONDO:0008996.

Submissions (2):

Genomic Medicine Center of Excellence, King Faisal Specialist Hospital and Research Centre
Classification: Pathogenic for COACH syndrome 1. Last evaluated: 2025-09-10. Review status: criteria provided, single submitter. Criteria: ACMG Guidelines, 2015. Collection method: clinical testing. Allele origin: germline.

Labcorp Genetics (formerly Invitae), Labcorp
Classification: Pathogenic for Joubert syndrome; Meckel-Gruber syndrome. Last evaluated: 2023-04-08. Review status: criteria provided, single submitter. Criteria: Invitae Variant Classification Sherloc (09022015). Collection method: clinical testing. Allele origin: germline.
Comment: Algorithms developed to predict the effect of sequence changes on RNA splicing suggest that this variant may disrupt the consensus splice site. Disruption of this splice site has been observed in individual(s) with Joubert syndrome and related disorders (PMID: 21068128). This variant is not present in population databases (gnomAD no frequency). This sequence change affects a donor splice site in intron 24 of the TMEM67 gene. It is expected to disrupt RNA splicing. Variants that disrupt the donor or acceptor splice site typically lead to a loss of protein function (PMID: 16199547), and loss-of-function variants in TMEM67 are known to be pathogenic (PMID: 20232449, 23559409). For these reasons, this variant has been classified as Pathogenic.

Literature cited by the submitters: PubMed 21068128 (cited by Labcorp Genetics (formerly Invitae), Labcorp); PubMed 16199547 (cited by Labcorp Genetics (formerly Invitae), Labcorp); PubMed 20232449 (cited by Labcorp Genetics (formerly Invitae), Labcorp); PubMed 23559409 (cited by Labcorp Genetics (formerly Invitae), Labcorp).

NM_153704.6(TMEM67):c.2556+1G>A

Gene: TMEM67 (transmembrane protein 67; plus strand). Cytogenetic location: 8q22.1.
Variant type: single nucleotide variant.
Coding change: c.2556+1G>A on transcript NM_153704.6 (MANE Select); the canonical splice donor site of the intron after coding-DNA position 2556, G replaced by A.
Molecular consequence: splice donor variant.
Genome position (GRCh38, 1-based): chr8:93,808,957, G>A. VCF-style: chr8-93808957-G-A. GRCh37 (hg19) VCF-style: chr8-94821185-G-A.
Other names: c.2313+1G>A (NM_001142301.1).
Identifiers: ClinVar variation 2925441 (VCV002925441.4), dbSNP rs786200867, ClinGen allele CA371699154.